The following is an entry in ClinVar:

ClinVar aggregate classification (germline): Pathogenic (1 of 4 stars; one submission).

Submission:

GeneDx
Classification: Pathogenic. Last evaluated: 2026-02-09. Review status: criteria provided, single submitter. Criteria: GeneDx Variant Classification Process June 2021. Collection method: clinical testing. Allele origin: germline.
Comment: Nonsense variant predicted to result in protein truncation or nonsense mediated decay in a gene for which loss of function is a known mechanism of disease; Not observed at significant frequency in large population cohorts (gnomAD); Has not been previously published as pathogenic or benign to our knowledge

NM_024589.3(ROGDI):c.759G>A (p.Trp253Ter)

Gene: ROGDI (rogdi atypical leucine zipper; minus strand). Cytogenetic location: 16p13.3.
Variant type: single nucleotide variant.
Coding change: c.759G>A on transcript NM_024589.3 (MANE Select); coding-DNA position 759, G replaced by A.
Protein change: p.Trp253Ter; replaces tryptophan 253 with a stop codon.
Molecular consequence: nonsense. On other transcripts: non-coding transcript variant (1).
Genome position (GRCh38, 1-based): chr16:4,797,777, C>T on the plus strand (G>A on the coding strand, the complement: ROGDI is on the minus strand). VCF-style: chr16-4797777-C-T. GRCh37 (hg19) VCF-style: chr16-4847778-C-T.
Other names: short protein forms W253*.
Identifiers: ClinVar variation 4975330 (VCV004975330.1).